The following is an entry in ClinVar:

NM_000126.4(ETFA):c.77C>T (p.Ala26Val)

Gene: ETFA (electron transfer flavoprotein subunit alpha; minus strand). Cytogenetic location: 15q24.2.
Variant type: single nucleotide variant.
Coding change: c.77C>T on transcript NM_000126.4 (MANE Select); coding-DNA position 77, C replaced by T.
Protein change: p.Ala26Val; replaces alanine 26 with valine.
Molecular consequence: missense variant. On other transcripts: intron variant (1).
Genome position (GRCh38, 1-based): chr15:76,295,700, G>A on the plus strand (C>T on the coding strand, the complement: ETFA is on the minus strand). VCF-style: chr15-76295700-G-A. GRCh37 (hg19) VCF-style: chr15-76588041-G-A.
Other names: c.40-3000C>T (NM_001127716.2); short protein forms A26V.
Identifiers: ClinVar variation 1523114 (VCV001523114.6), dbSNP rs1389901296, ClinGen allele CA393518004.

ClinVar aggregate classification (germline): Uncertain significance (1 of 4 stars; one submission).

Conditions:
Multiple acyl-CoA dehydrogenase deficiency (MADD). Also called: Glutaric Acidemia type 2; ETHYLMALONIC-ADIPICACIDURIA; GA II; Glutaric acidemia type II; GA 2; Glutaric aciduria, type 2. Identifiers: Orphanet 26791, MedGen C0268596, MONDO:0009282, OMIM 231680.

Allele frequency attached by ClinVar (database versions not stated): gnomAD exomes below 0.00001 and 0.00001; TOPMed below 0.00001.
gnomAD v4.1: 3 of 1,611,940 alleles (0.00019%); highest among the groups gnomAD compares: Admixed American, 0.005%; no homozygotes.

Submission:

Labcorp Genetics (formerly Invitae), Labcorp
Classification: Uncertain significance for Multiple acyl-CoA dehydrogenase deficiency. Last evaluated: 2023-05-23. Review status: criteria provided, single submitter. Criteria: Invitae Variant Classification Sherloc (09022015). Collection method: clinical testing. Allele origin: germline.
Comment: In summary, the available evidence is currently insufficient to determine the role of this variant in disease. Therefore, it has been classified as a Variant of Uncertain Significance. Advanced modeling of protein sequence and biophysical properties (such as structural, functional, and spatial information, amino acid conservation, physicochemical variation, residue mobility, and thermodynamic stability) performed at Invitae indicates that this missense variant is not expected to disrupt ETFA protein function. ClinVar contains an entry for this variant (Variation ID: 1523114). This variant has not been reported in the literature in individuals affected with ETFA-related conditions. This variant is present in population databases (no rsID available, gnomAD 0.003%). This sequence change replaces alanine, which is neutral and non-polar, with valine, which is neutral and non-polar, at codon 26 of the ETFA protein (p.Ala26Val).